The following is an entry in ClinVar:

NM_000492.4(CFTR):c.2807C>G (p.Pro936Arg)

Gene: CFTR (CF transmembrane conductance regulator; plus strand). Cytogenetic location: 7q31.2.
Variant type: single nucleotide variant.
Coding change: c.2807C>G on transcript NM_000492.4 (MANE Select); coding-DNA position 2807, C replaced by G.
Protein change: p.Pro936Arg; replaces proline 936 with arginine.
Molecular consequence: missense variant.
Genome position (GRCh38, 1-based): chr7:117,603,681, C>G. VCF-style: chr7-117603681-C-G. GRCh37 (hg19) VCF-style: chr7-117243735-C-G.
Other names: short protein forms P936R.
Identifiers: ClinVar variation 3231868 (VCV003231868.1), dbSNP rs1246404183, ClinGen allele CA368986971.

ClinVar aggregate classification (germline): Uncertain significance (1 of 4 stars; one submission).

Conditions:
Cystic fibrosis (CF). Also called: MUCOVISCIDOSIS. Identifiers: Orphanet 586, MedGen C0010674, MONDO:0009061, OMIM 219700. Disease mechanism: loss of function.

Submission:

Ambry Genetics
Classification: Uncertain significance for Cystic fibrosis. Last evaluated: 2023-09-25. Review status: criteria provided, single submitter. Criteria: Ambry Variant Classification Scheme 2023. Collection method: clinical testing. Allele origin: germline.
Comment: The p.P936R variant (also known as c.2807C>G), located in coding exon 17 of the CFTR gene, results from a C to G substitution at nucleotide position 2807. The proline at codon 936 is replaced by arginine, an amino acid with dissimilar properties. This amino acid position is conserved. In addition, this alteration is predicted to be deleterious by in silico analysis. Since supporting evidence is limited at this time, the clinical significance of this alteration remains unclear.